The following is an entry in ClinVar:

ClinVar aggregate classification (germline): Uncertain significance. Review status: criteria provided, multiple submitters, no conflicts (2 of 4 stars). 7 submissions from 7 submitters: Uncertain significance (7). Last evaluated 2026-01-23.

Conditions:
Fanconi anemia (FA). Also called: Fanconi's anemia. Identifiers: Orphanet 84, MedGen C0015625, MeSH D005199, MONDO:0019391.
Spermatogenic failure 28. Identifiers: MedGen C4748117, MONDO:0054732, OMIM 618086.
Premature ovarian failure 15. Identifiers: MedGen C4748170, MONDO:0054862, OMIM 618096.

Allele frequency attached by ClinVar (database versions not stated): TOPMed 0.00007; gnomAD 0.00009; gnomAD exomes 0.00011 and 0.00017; ESP Exome Variant Server 0.00015; ExAC 0.00017.
gnomAD v4.1: 175 of 1,613,252 alleles (0.011%); highest among the groups gnomAD compares: Non-Finnish European, 0.011%; 1 homozygote.

Submissions (7):

Labcorp Genetics (formerly Invitae), Labcorp
Classification: Uncertain significance for Fanconi anemia. Last evaluated: 2026-01-23. Review status: criteria provided, single submitter. Criteria: Invitae Variant Classification Sherloc (09022015). Collection method: clinical testing. Allele origin: germline.
Comment: This sequence change replaces serine, which is neutral and polar, with arginine, which is basic and polar, at codon 183 of the FANCM protein (p.Ser183Arg). This variant is present in population databases (rs368937236, gnomAD 0.09%). This variant has not been reported in the literature in individuals affected with FANCM-related conditions. ClinVar contains an entry for this variant (Variation ID: 313194). An algorithm developed to predict the effect of missense changes on protein structure and function outputs the following: PolyPhen-2: "Benign". The arginine amino acid residue is found in multiple mammalian species, which suggests that this missense change does not adversely affect protein function. In summary, the available evidence is currently insufficient to determine the role of this variant in disease. Therefore, it has been classified as a Variant of Uncertain Significance.

GeneDx
Classification: Uncertain significance. Last evaluated: 2025-03-14. Review status: criteria provided, single submitter. Criteria: GeneDx Variant Classification Process June 2021. Collection method: clinical testing. Allele origin: germline. Affected: yes.
Comment: In silico analysis supports that this missense variant has a deleterious effect on protein structure/function; Observed in ovarian cancer cases as well as unaffected controls (PMID: 28881617); This variant is associated with the following publications: (PMID: 28881617)

Fulgent Genetics
Classification: Uncertain significance for Spermatogenic failure 28; Premature ovarian failure 15. Last evaluated: 2024-04-18. Review status: criteria provided, single submitter. Criteria: ACMG Guidelines, 2015. Collection method: clinical testing. Allele origin: germline.

Quest Diagnostics Nichols Institute San Juan Capistrano
Classification: Uncertain significance. Last evaluated: 2023-02-13. Review status: criteria provided, single submitter. Criteria: Quest Diagnostics criteria. Collection method: clinical testing. Allele origin: unknown.
Comment: The frequency of this variant in the general population, 0.00068 (17/25034 chromosomes), is uninformative in assessment of its pathogenicity. In the published literature, the variant has been reported in individuals with ovarian cancer as well as in unaffected individuals (PMID: 28881617 (2017)). In a large-scale breast cancer association study, the variant was observed in individuals with breast cancer as well as in unaffected individuals (PMID: 33471991 (2021), see also LOVD). Analysis of this variant using bioinformatics tools for the prediction of the effect of amino acid changes on protein structure and function yielded predictions that this variant is benign. Based on the available information, we are unable to determine the clinical significance of this variant.

Institute for Clinical Genetics, University Hospital TU Dresden, University Hospital TU Dresden
Classification: Uncertain significance. Last evaluated: 2021-11-03. Review status: criteria provided, single submitter. Criteria: ACMG Guidelines, 2015. Collection method: clinical testing. Allele origin: germline.

Genetic Services Laboratory, University of Chicago
Classification: Uncertain significance. Last evaluated: 2019-09-23. Review status: criteria provided, single submitter. Criteria: ACMG Guidelines, 2015. Collection method: clinical testing. Allele origin: germline. Affected: no.

Baylor Genetics
Classification: Uncertain significance for Spermatogenic failure 28. Last evaluated: 2019-02-11. Review status: criteria provided, single submitter. Criteria: ACMG Guidelines, 2015. Collection method: clinical testing. Allele origin: unknown. Affected: yes. Study: CSER-TexasKidsCanSeq.
Comment: This variant was determined to be of uncertain significance according to ACMG Guidelines, 2015 [PMID:25741868].

Literature cited by the submitters: PubMed 28881617 (cited by Quest Diagnostics Nichols Institute San Juan Capistrano); PubMed 33471991 (cited by Quest Diagnostics Nichols Institute San Juan Capistrano).

NM_020937.4(FANCM):c.547A>C (p.Ser183Arg)

Gene: FANCM (FA complementation group M; plus strand). Cytogenetic location: 14q21.2.
Variant type: single nucleotide variant.
Coding change: c.547A>C on transcript NM_020937.4 (MANE Select); coding-DNA position 547, A replaced by C.
Protein change: p.Ser183Arg; replaces serine 183 with arginine.
Molecular consequence: missense variant.
Genome position (GRCh38, 1-based): chr14:45,137,107, A>C. VCF-style: chr14-45137107-A-C. GRCh37 (hg19) VCF-style: chr14-45606310-A-C.
Other names: c.547A>C, p.Ser183Arg (NM_001308133.2, NM_001308134.2); short protein forms S183R.
Identifiers: ClinVar variation 313194 (VCV000313194.28), dbSNP rs368937236, ClinGen allele CA7168802.